The following is an entry in ClinVar:

ClinVar aggregate classification (germline): Uncertain significance. Review status: criteria provided, multiple submitters, no conflicts (2 of 4 stars). 3 submissions from 3 submitters: Uncertain significance (3). Last evaluated 2025-06-01.

Submissions (3):

CeGaT Center for Human Genetics Tuebingen
Classification: Uncertain significance. Last evaluated: 2025-06-01. Review status: criteria provided, single submitter. Criteria: CeGaT Center For Human Genetics Tuebingen Variant Classification Criteria Version 2. Collection method: clinical testing. Allele origin: germline. Affected: yes. Observed: 1 variant allele.
Comment: MAST1: PM2, BP4

Women's Health and Genetics/Laboratory Corporation of America, LabCorp
Classification: Uncertain significance. Last evaluated: 2023-10-31. Review status: criteria provided, single submitter. Criteria: LabCorp Variant Classification Summary - May 2015. Collection method: clinical testing. Allele origin: germline.
Comment: Variant summary: MAST1 c.4594C>T (p.Leu1532Phe) results in a non-conservative amino acid change in the encoded protein sequence. Four of five in-silico tools predict a benign effect of the variant on protein function. The variant was absent in 245082 control chromosomes (gnomAD). The available data on variant occurrences in the general population are insufficient to allow any conclusion about variant significance. To our knowledge, no occurrence of c.4594C>T in individuals affected with Mega-Corpus Syndrome With Cerebellar Hypoplasia And Cortical Malformations and no experimental evidence demonstrating its impact on protein function have been reported. One submitter has cited clinical-significance assessments for this variant to ClinVar after 2014 and has classified the variant as uncertain significance. Based on the evidence outlined above, the variant was classified as uncertain significance.

Labcorp Genetics (formerly Invitae), Labcorp
Classification: Uncertain significance. Last evaluated: 2022-10-17. Review status: criteria provided, single submitter. Criteria: Invitae Variant Classification Sherloc (09022015). Collection method: clinical testing. Allele origin: germline.
Comment: This sequence change replaces leucine, which is neutral and non-polar, with phenylalanine, which is neutral and non-polar, at codon 1532 of the MAST1 protein (p.Leu1532Phe). This variant is not present in population databases (gnomAD no frequency). This variant has not been reported in the literature in individuals affected with MAST1-related conditions. Algorithms developed to predict the effect of missense changes on protein structure and function (SIFT, PolyPhen-2, Align-GVGD) all suggest that this variant is likely to be tolerated. In summary, the available evidence is currently insufficient to determine the role of this variant in disease. Therefore, it has been classified as a Variant of Uncertain Significance.

NM_014975.3(MAST1):c.4594C>T (p.Leu1532Phe)

Gene: MAST1 (microtubule associated serine/threonine kinase 1; plus strand). Cytogenetic location: 19p13.13.
Variant type: single nucleotide variant.
Coding change: c.4594C>T on transcript NM_014975.3 (MANE Select); coding-DNA position 4594, C replaced by T.
Protein change: p.Leu1532Phe; replaces leucine 1532 with phenylalanine.
Molecular consequence: missense variant.
Genome position (GRCh38, 1-based): chr19:12,874,751, C>T. VCF-style: chr19-12874751-C-T. GRCh37 (hg19) VCF-style: chr19-12985565-C-T.
Other names: short protein forms L1532F.
Identifiers: ClinVar variation 1976016 (VCV001976016.16), dbSNP rs2512546224, ClinGen allele CA404292913.